The following is an entry in ClinVar:

ClinVar aggregate classification (germline): Uncertain significance (1 of 4 stars; one submission).

Allele frequency attached by ClinVar (database versions not stated): gnomAD exomes below 0.00001; ExAC 0.00001.
gnomAD v4.1: 1 of 1,613,882 alleles (0.000062%); highest among the groups gnomAD compares: Non-Finnish European, 0.000085%; no homozygotes.

Submission:

Labcorp Genetics (formerly Invitae), Labcorp
Classification: Uncertain significance. Last evaluated: 2021-10-31. Review status: criteria provided, single submitter. Criteria: Invitae Variant Classification Sherloc (09022015). Collection method: clinical testing. Allele origin: germline.
Comment: This variant has not been reported in the literature in individuals affected with MSH3-related conditions. This sequence change replaces arginine, which is basic and polar, with lysine, which is basic and polar, at codon 964 of the MSH3 protein (p.Arg964Lys). This variant is present in population databases (rs776609799, gnomAD 0.0009%). Algorithms developed to predict the effect of missense changes on protein structure and function output the following: SIFT: "Tolerated"; PolyPhen-2: "Benign"; Align-GVGD: "Class C0". The lysine amino acid residue is found in multiple mammalian species, which suggests that this missense change does not adversely affect protein function. In summary, the available evidence is currently insufficient to determine the role of this variant in disease. Therefore, it has been classified as a Variant of Uncertain Significance.

NM_002439.5(MSH3):c.2891G>A (p.Arg964Lys)

Gene: MSH3 (mutS homolog 3; plus strand). Cytogenetic location: 5q14.1.
Variant type: single nucleotide variant.
Coding change: c.2891G>A on transcript NM_002439.5 (MANE Select); coding-DNA position 2891, G replaced by A.
Protein change: p.Arg964Lys; replaces arginine 964 with lysine.
Molecular consequence: missense variant.
Genome position (GRCh38, 1-based): chr5:80,854,207, G>A. VCF-style: chr5-80854207-G-A. GRCh37 (hg19) VCF-style: chr5-80150026-G-A.
Other names: short protein forms R964K.
Identifiers: ClinVar variation 1470290 (VCV001470290.6), dbSNP rs776609799, ClinGen allele CA3328393.